The following is an entry in ClinVar:

ClinVar aggregate classification (germline): Uncertain significance (1 of 4 stars; one submission).

Conditions:
KBG syndrome (KBGS). Also called: ANKRD11-Related KBG Syndrome. Identifiers: Orphanet 2332, MedGen C0220687, MONDO:0007846, OMIM 148050.

Allele frequency attached by ClinVar (database versions not stated): gnomAD exomes below 0.00001; TOPMed below 0.00001.
gnomAD v4.1: 1 of 1,614,186 alleles (0.000062%); highest among the groups gnomAD compares: Non-Finnish European, 0.000085%; no homozygotes.

Submission:

Labcorp Genetics (formerly Invitae), Labcorp
Classification: Uncertain significance for KBG syndrome. Last evaluated: 2025-02-17. Review status: criteria provided, single submitter. Criteria: Invitae Variant Classification Sherloc (09022015). Collection method: clinical testing. Allele origin: germline.
Comment: This sequence change replaces lysine, which is basic and polar, with arginine, which is basic and polar, at codon 332 of the ANKRD11 protein (p.Lys332Arg). This variant is not present in population databases (gnomAD no frequency). This variant has not been reported in the literature in individuals affected with ANKRD11-related conditions. ClinVar contains an entry for this variant (Variation ID: 2417444). Invitae Evidence Modeling of protein sequence and biophysical properties (such as structural, functional, and spatial information, amino acid conservation, physicochemical variation, residue mobility, and thermodynamic stability) indicates that this missense variant is not expected to disrupt ANKRD11 protein function with a negative predictive value of 95%. In summary, the available evidence is currently insufficient to determine the role of this variant in disease. Therefore, it has been classified as a Variant of Uncertain Significance.

NM_013275.6(ANKRD11):c.995A>G (p.Lys332Arg)

Gene: ANKRD11 (ankyrin repeat domain 11; minus strand). Cytogenetic location: 16q24.3.
Variant type: single nucleotide variant.
Coding change: c.995A>G on transcript NM_013275.6 (MANE Select); coding-DNA position 995, A replaced by G.
Protein change: p.Lys332Arg; replaces lysine 332 with arginine.
Molecular consequence: missense variant.
Genome position (GRCh38, 1-based): chr16:89,285,547, T>C on the plus strand (A>G on the coding strand, the complement: ANKRD11 is on the minus strand). VCF-style: chr16-89285547-T-C. GRCh37 (hg19) VCF-style: chr16-89351955-T-C.
Other names: c.995A>G, p.Lys332Arg (NM_001256182.2, NM_001256183.2); short protein forms K332R.
Identifiers: ClinVar variation 2417444 (VCV002417444.4), dbSNP rs2034590679, ClinGen allele CA397165983.